The following is an entry in ClinVar:

NM_000282.4(PCCA):c.1572G>C (p.Gln524His)

Gene: PCCA (propionyl-CoA carboxylase subunit alpha; plus strand). Cytogenetic location: 13q32.3.
Variant type: single nucleotide variant.
Coding change: c.1572G>C on transcript NM_000282.4 (MANE Select); coding-DNA position 1572, G replaced by C.
Protein change: p.Gln524His; replaces glutamine 524 with histidine.
Molecular consequence: missense variant. On other transcripts: non-coding transcript variant (5).
Genome position (GRCh38, 1-based): chr13:100,340,188, G>C. VCF-style: chr13-100340188-G-C. GRCh37 (hg19) VCF-style: chr13-100992442-G-C.
Other names: p.Gln524His; c.1494G>C, p.Gln498His (NM_001127692.3, NM_001352607.2); c.1572G>C, p.Gln524His (NM_001178004.2, NM_001352605.2, NM_001352609.2); c.1428G>C, p.Gln476His (NM_001352606.2); c.1350G>C, p.Gln450His (NM_001352608.2); c.627G>C, p.Gln209His (NM_001352610.2, NM_001352611.2); c.483G>C, p.Gln161His (NM_001352612.2); short protein forms Q161H, Q209H, Q450H, Q476H, Q498H, Q524H.
Identifiers: ClinVar variation 4820317 (VCV004820317.2).

ClinVar aggregate classification (germline): Uncertain significance. Review status: criteria provided, single submitter (1 of 4 stars). 2 submissions from 2 submitters: Uncertain significance (1). 1 of the submissions does not count toward it. Last evaluated 2025-09-16.

Conditions:
Propionic acidemia (PROP). Also called: GLYCINEMIA, KETOTIC; HYPERGLYCINEMIA WITH KETOACIDOSIS AND LEUKOPENIA; KETOTIC HYPERGLYCINEMIA. Identifiers: Orphanet 35, MedGen C0268579, MONDO:0011628, OMIM 606054, HP:0003571.

gnomAD v4.1: 15 of 1,608,978 alleles (0.00093%); highest among the groups gnomAD compares: South Asian, 0.015%; no homozygotes.

Submissions (2):

Foundation for Research in Genetics and Endocrinology, FRIGE's Institute of Human Genetics
Classification: Uncertain significance for Propionic acidemia. Last evaluated: 2025-09-16. Review status: criteria provided, single submitter. Criteria: ACMG Guidelines, 2015. Collection method: clinical testing. Allele origin: germline. Inheritance: Autosomal recessive inheritance. Affected: yes. Observed: 1 variant allele, 1 homozygote.
Comment: A homozygous missense variant in exon 18 of the PCCA gene that results in the amino acid substitution of Histidine for Glutamine at codon 524 was detected. The observed variant has not been reported in the 1000 genomes and has a minor allele frequency of 0.0032% in the gnomAD databases. The in silico prediction of the variant is deleterious by DANN, FATHMM and MutationTaster2. In summary, the variant meets our criteria to be classified as a variant of uncertain significance.

Hong-Tao Li Lab, Institute of Brain Science and Brain-inspired Research, Shandong First Medical University & Shandong Academy of Medical Sciences China
Classification: Uncertain significance for Propionic acidemia. Review status: no assertion criteria provided. Collection method: research. Allele origin: germline. Inheritance: Autosomal recessive inheritance. Affected: yes. Observed: 1 variant allele, 1 homozygote. Not counted in ClinVar's aggregate classification.
Comment: Observed in affected individuals from a Pakistani neurodevelopmental-disorder research cohort of 263 individuals. Classification assigned using the ACMG/AMP framework. Population-frequency evidence: gnomAD AF 3.184e-05.